The following is an entry in ClinVar:

NM_014915.3(ANKRD26):c.4467A>T (p.Glu1489Asp)

Gene: ANKRD26 (ankyrin repeat domain 26; minus strand). Cytogenetic location: 10p12.1.
Variant type: single nucleotide variant.
Coding change: c.4467A>T on transcript NM_014915.3 (MANE Select); coding-DNA position 4467, A replaced by T.
Protein change: p.Glu1489Asp; replaces glutamic acid 1489 with aspartic acid.
Molecular consequence: missense variant.
Genome position (GRCh38, 1-based): chr10:27,017,541, T>A on the plus strand (A>T on the coding strand, the complement: ANKRD26 is on the minus strand). VCF-style: chr10-27017541-T-A. GRCh37 (hg19) VCF-style: chr10-27306470-T-A.
Other names: c.4464A>T, p.Glu1488Asp (NM_001256053.2); short protein forms E1488D, E1489D.
Identifiers: ClinVar variation 2872333 (VCV002872333.4), dbSNP rs1416988044, ClinGen allele CA376357323.

ClinVar aggregate classification (germline): Conflicting classifications of pathogenicity. Review status: criteria provided, conflicting classifications (1 of 4 stars). 2 submissions from 2 submitters: Uncertain significance (1); Likely benign (1). Last evaluated 2025-10-12.

Conditions:
Inborn genetic diseases. Identifiers: MedGen C0950123, MeSH D030342.

Allele frequency attached by ClinVar (database versions not stated): gnomAD exomes below 0.00001; gnomAD 0.00001; TOPMed 0.00001.
gnomAD v4.1: 5 of 1,613,588 alleles (0.00031%); highest among the groups gnomAD compares: Non-Finnish European, 0.00034%; no homozygotes.

Submissions (2):

Ambry Genetics
Classification: Likely benign for Inborn genetic diseases. Last evaluated: 2025-10-12. Review status: criteria provided, single submitter. Criteria: Ambry Variant Classification Scheme 2023. Collection method: clinical testing. Allele origin: germline.

Labcorp Genetics (formerly Invitae), Labcorp
Classification: Uncertain significance. Last evaluated: 2022-12-17. Review status: criteria provided, single submitter. Criteria: Invitae Variant Classification Sherloc (09022015). Collection method: clinical testing. Allele origin: germline.
Comment: In summary, the available evidence is currently insufficient to determine the role of this variant in disease. Therefore, it has been classified as a Variant of Uncertain Significance. Algorithms developed to predict the effect of missense changes on protein structure and function output the following: SIFT: "Tolerated"; PolyPhen-2: "Benign"; Align-GVGD: "Class C0". The aspartic acid amino acid residue is found in multiple mammalian species, which suggests that this missense change does not adversely affect protein function. This variant has not been reported in the literature in individuals affected with ANKRD26-related conditions. This variant is not present in population databases (gnomAD no frequency). This sequence change replaces glutamic acid, which is acidic and polar, with aspartic acid, which is acidic and polar, at codon 1489 of the ANKRD26 protein (p.Glu1489Asp).